The following is an entry in ClinVar:

NM_020894.4(UVSSA):c.123C>T (p.Arg41=)

Gene: UVSSA (UV stimulated scaffold protein A; plus strand). Cytogenetic location: 4p16.3.
Variant type: single nucleotide variant.
Coding change: c.123C>T on transcript NM_020894.4 (MANE Select); coding-DNA position 123, C replaced by T.
Protein change: p.Arg41=; no amino-acid change (arginine 41 retained).
Molecular consequence: synonymous variant.
Genome position (GRCh38, 1-based): chr4:1,349,548, C>T. VCF-style: chr4-1349548-C-T. GRCh37 (hg19) VCF-style: chr4-1343336-C-T.
Other names: c.123C>T, p.Arg41= (NM_001317934.2, NM_001317935.2).
Identifiers: ClinVar variation 3044630 (VCV003044630.2), dbSNP rs62000970, ClinGen allele CA2805512.

ClinVar aggregate classification (germline): Benign (0 of 4 stars; one submission).

Conditions:
UVSSA-related disorder. Also called: UVSSA-related condition.

Allele frequency attached by ClinVar (database versions not stated): gnomAD exomes 0.00026; ExAC 0.00085; 1000 Genomes Project 0.00220; gnomAD 0.00259; 1000 Genomes Project 30x 0.00265; TOPMed 0.00295; ESP Exome Variant Server 0.00354.
gnomAD v4.1: 785 of 1,613,602 alleles (0.049%); highest among the groups gnomAD compares: African/African-American, 0.94%; 3 homozygotes.

Submission:

PreventionGenetics, part of Exact Sciences
Classification: Benign for UVSSA-related condition. Last evaluated: 2020-02-25. Review status: no assertion criteria provided. Collection method: clinical testing. Allele origin: germline.
Comment: This variant is classified as benign based on ACMG/AMP sequence variant interpretation guidelines (Richards et al. 2015 PMID: 25741868, with internal and published modifications).